The following is an entry in ClinVar:

NM_001567.4(INPPL1):c.3514C>T (p.Arg1172Cys)

Gene: INPPL1 (inositol polyphosphate phosphatase like 1; plus strand). Cytogenetic location: 11q13.4.
Variant type: single nucleotide variant.
Coding change: c.3514C>T on transcript NM_001567.4 (MANE Select); coding-DNA position 3514, C replaced by T.
Protein change: p.Arg1172Cys; replaces arginine 1172 with cysteine.
Molecular consequence: missense variant.
Genome position (GRCh38, 1-based): chr11:72,237,758, C>T. VCF-style: chr11-72237758-C-T. GRCh37 (hg19) VCF-style: chr11-71948802-C-T.
Other names: short protein forms R1172C.
Identifiers: ClinVar variation 740554 (VCV000740554.24), dbSNP rs200602515, ClinGen allele CA6170658.

ClinVar aggregate classification (germline): Benign/Likely benign. Review status: criteria provided, multiple submitters, no conflicts (2 of 4 stars). 5 submissions from 5 submitters: Benign (3); Likely benign (2). Last evaluated 2025-11-11.

Allele frequency attached by ClinVar (database versions not stated): TOPMed 0.00023; 1000 Genomes Project 0.00060; 1000 Genomes Project 30x 0.00062; gnomAD 0.00098 and 0.00102.
gnomAD v4.1: 1,239 of 1,610,578 alleles (0.077%); highest among the groups gnomAD compares: South Asian, 0.26%; 7 homozygotes.

Submissions (5):

Labcorp Genetics (formerly Invitae), Labcorp
Classification: Benign. Last evaluated: 2025-11-11. Review status: criteria provided, single submitter. Criteria: Invitae Variant Classification Sherloc (09022015). Collection method: clinical testing. Allele origin: germline.

CeGaT Center for Human Genetics Tuebingen
Classification: Likely benign. Last evaluated: 2025-08-01. Review status: criteria provided, single submitter. Criteria: CeGaT Center For Human Genetics Tuebingen Variant Classification Criteria Version 2. Collection method: clinical testing. Allele origin: germline. Affected: yes. Observed: 1 variant allele.
Comment: INPPL1: BS2

Blueprint Genetics
Classification: Likely benign. Last evaluated: 2024-10-28. Review status: criteria provided, single submitter. Criteria: ACMG Guidelines, 2015. Collection method: clinical testing. Allele origin: germline.

GeneDx
Classification: Benign. Last evaluated: 2020-04-22. Review status: criteria provided, single submitter. Criteria: GeneDx Variant Classification Process June 2021. Collection method: clinical testing. Allele origin: germline. Affected: yes.

Breakthrough Genomics
Classification: Benign. Review status: criteria provided, single submitter. Criteria: ACMG Guidelines, 2015. Collection method: not provided. Allele origin: germline. Inheritance: Autosomal recessive inheritance. Affected: yes.